The following is an entry in ClinVar:

NM_001286445.3(RIPOR2):c.1660G>C (p.Glu554Gln)

Gene: RIPOR2 (RHO family interacting cell polarization regulator 2; minus strand). Cytogenetic location: 6p22.3.
Variant type: single nucleotide variant.
Coding change: c.1660G>C on transcript NM_001286445.3 (MANE Select); coding-DNA position 1660, G replaced by C.
Protein change: p.Glu554Gln; replaces glutamic acid 554 with glutamine.
Molecular consequence: missense variant.
Genome position (GRCh38, 1-based): chr6:24,843,059, C>G on the plus strand (G>C on the coding strand, the complement: RIPOR2 is on the minus strand). VCF-style: chr6-24843059-C-G. GRCh37 (hg19) VCF-style: chr6-24843287-C-G.
Other names: c.1723G>C (NM_014722.4, NM_014722.3); c.1675G>C, p.Glu559Gln (NM_001286446.3); c.1573G>C, p.Glu525Gln (NM_001286447.2, NM_001346031.2, NM_001346032.2 and 1 more transcripts); c.1723G>C, p.Glu575Gln (NM_014722.5); short protein forms E554Q, E559Q, E575Q, E525Q.
Identifiers: ClinVar variation 3433776 (VCV003433776.6).

ClinVar aggregate classification (germline): Uncertain significance. Review status: criteria provided, multiple submitters, no conflicts (2 of 4 stars). 5 submissions from 5 submitters: Uncertain significance (5). Last evaluated 2026-09-18.

Conditions:
RIPOR2-related disorder. Also called: RIPOR2-related condition.

gnomAD v4.1: 104 of 1,613,776 alleles (0.0064%); highest among the groups gnomAD compares: Middle Eastern, 0.016%; no homozygotes.

Submissions (5):

PreventionGenetics, part of Exact Sciences
Classification: Uncertain significance for RIPOR2-related condition. Last evaluated: 2026-09-18. Review status: criteria provided, single submitter. Criteria: ACMG Guidelines, 2015. Collection method: clinical testing. Allele origin: germline.
Comment: The RIPOR2 c.1723G>C variant is predicted to result in the amino acid substitution p.Glu575Gln. To our knowledge, this variant has not been reported in the literature. This variant is reported in 0.0086% of alleles in individuals of European (Non-Finnish) descent in gnomAD. At this time, the clinical significance of this variant is uncertain due to the absence of conclusive functional and genetic evidence.

GeneDx
Classification: Uncertain significance. Last evaluated: 2025-02-04. Review status: criteria provided, single submitter. Criteria: GeneDx Variant Classification Process June 2021. Collection method: clinical testing. Allele origin: germline. Affected: yes.
Comment: In silico analysis indicates that this missense variant does not alter protein structure/function; Has not been previously published as pathogenic or benign to our knowledge

Blueprint Genetics
Classification: Uncertain significance. Last evaluated: 2024-10-15. Review status: criteria provided, single submitter. Criteria: ACMG Guidelines, 2015. Collection method: clinical testing. Allele origin: germline.

Labcorp Genetics (formerly Invitae), Labcorp
Classification: Uncertain significance. Last evaluated: 2024-09-16. Review status: criteria provided, single submitter. Criteria: Invitae Variant Classification Sherloc (09022015). Collection method: clinical testing. Allele origin: germline.
Comment: This sequence change replaces glutamic acid, which is acidic and polar, with glutamine, which is neutral and polar, at codon 575 of the FAM65B protein (p.Glu575Gln). This variant is present in population databases (rs202204524, gnomAD 0.007%). This variant has not been reported in the literature in individuals affected with FAM65B-related conditions. An algorithm developed to predict the effect of missense changes on protein structure and function (PolyPhen-2) suggests that this variant is likely to be disruptive. In summary, the available evidence is currently insufficient to determine the role of this variant in disease. Therefore, it has been classified as a Variant of Uncertain Significance.

Ambry Genetics
Classification: Uncertain significance. Last evaluated: 2024-08-14. Review status: criteria provided, single submitter. Criteria: Ambry Variant Classification Scheme 2023. Collection method: clinical testing. Allele origin: germline.